The following is an entry in ClinVar:

ClinVar aggregate classification (germline): Uncertain significance (1 of 4 stars; one submission).

Conditions:
Progressive microcephaly-seizures-cortical blindness-developmental delay syndrome. Also called: Seizures, cortical blindness, and microcephaly syndrome. Identifiers: Orphanet 477814, MedGen C5567650, MONDO:0014714, OMIM 616632.
Autosomal dominant nonsyndromic hearing loss 1. Also called: KONIGSMARK SYNDROME; DEAFNESS, AUTOSOMAL DOMINANT 1, WITH OR WITHOUT THROMBOCYTOPENIA. Identifiers: Orphanet 90635, MedGen C1852282, MONDO:0007424, OMIM 124900.

Submission:

Labcorp Genetics (formerly Invitae), Labcorp
Classification: Uncertain significance for Progressive microcephaly-seizures-cortical blindness-developmental delay syndrome; Autosomal dominant nonsyndromic hearing loss 1. Last evaluated: 2022-10-04. Review status: criteria provided, single submitter. Criteria: Invitae Variant Classification Sherloc (09022015). Collection method: clinical testing. Allele origin: germline.
Comment: This sequence change replaces methionine, which is neutral and non-polar, with valine, which is neutral and non-polar, at codon 869 of the DIAPH1 protein (p.Met869Val). This variant is not present in population databases (gnomAD no frequency). This variant has not been reported in the literature in individuals affected with DIAPH1-related conditions. Algorithms developed to predict the effect of missense changes on protein structure and function are either unavailable or do not agree on the potential impact of this missense change (SIFT: "Deleterious"; PolyPhen-2: "Benign"; Align-GVGD: "Class C0"). In summary, the available evidence is currently insufficient to determine the role of this variant in disease. Therefore, it has been classified as a Variant of Uncertain Significance.

NM_005219.5(DIAPH1):c.2605A>G (p.Met869Val)

Gene: DIAPH1 (diaphanous related formin 1; minus strand). Cytogenetic location: 5q31.3.
Variant type: single nucleotide variant.
Coding change: c.2605A>G on transcript NM_005219.5 (MANE Select); coding-DNA position 2605, A replaced by G.
Protein change: p.Met869Val; replaces methionine 869 with valine.
Molecular consequence: missense variant.
Genome position (GRCh38, 1-based): chr5:141,529,674, T>C on the plus strand (A>G on the coding strand, the complement: DIAPH1 is on the minus strand). VCF-style: chr5-141529674-T-C. GRCh37 (hg19) VCF-style: chr5-140909241-T-C.
Other names: c.2578A>G, p.Met860Val (NM_001079812.3); c.2605A>G, p.Met869Val (NM_001314007.2); short protein forms M860V, M869V.
Identifiers: ClinVar variation 2417010 (VCV002417010.8), dbSNP rs1204485610, ClinGen allele CA361586578.